The following is an entry in ClinVar:

ClinVar aggregate classification (germline): Uncertain significance (1 of 4 stars; one submission).

Allele frequency attached by ClinVar (database versions not stated): gnomAD exomes below 0.00001; TOPMed below 0.00001; ExAC 0.00002.
gnomAD v4.1: 6 of 1,614,242 alleles (0.00037%); highest among the groups gnomAD compares: East Asian, 0.0089%; no homozygotes.

Submission:

Labcorp Genetics (formerly Invitae), Labcorp
Classification: Uncertain significance. Last evaluated: 2022-02-23. Review status: criteria provided, single submitter. Criteria: Invitae Variant Classification Sherloc (09022015). Collection method: clinical testing. Allele origin: germline.
Comment: This sequence change falls in intron 12 of the TUBGCP6 gene. It does not directly change the encoded amino acid sequence of the TUBGCP6 protein. It affects a nucleotide within the consensus splice site. This variant is present in population databases (rs763848471, gnomAD 0.04%). This variant has not been reported in the literature in individuals affected with TUBGCP6-related conditions. Variants that disrupt the consensus splice site are a relatively common cause of aberrant splicing (PMID: 17576681, 9536098). Algorithms developed to predict the effect of sequence changes on RNA splicing suggest that this variant may create or strengthen a splice site. In summary, the available evidence is currently insufficient to determine the role of this variant in disease. Therefore, it has been classified as a Variant of Uncertain Significance.

Literature cited by the submitters: PubMed 17576681; PubMed 9536098.

NM_020461.4(TUBGCP6):c.2154+3G>C

Gene: TUBGCP6 (tubulin gamma complex component 6; minus strand). Cytogenetic location: 22q13.33.
Variant type: single nucleotide variant.
Coding change: c.2154+3G>C on transcript NM_020461.4 (MANE Select); 3 bases into the intron after coding-DNA position 2154, G replaced by C.
Molecular consequence: intron variant.
Genome position (GRCh38, 1-based): chr22:50,224,329, C>G on the plus strand (G>C on the coding strand, the complement: TUBGCP6 is on the minus strand). VCF-style: chr22-50224329-C-G. GRCh37 (hg19) VCF-style: chr22-50662758-C-G.
Identifiers: ClinVar variation 2164976 (VCV002164976.3), dbSNP rs763848471, ClinGen allele CA10308340.